The following is an entry in ClinVar:

NM_017646.6(TRIT1):c.596A>G (p.His199Arg)

Gene: TRIT1 (tRNA isopentenyltransferase 1; minus strand). Cytogenetic location: 1p34.2.
Variant type: single nucleotide variant.
Coding change: c.596A>G on transcript NM_017646.6 (MANE Select); coding-DNA position 596, A replaced by G.
Protein change: p.His199Arg; replaces histidine 199 with arginine.
Molecular consequence: missense variant.
Genome position (GRCh38, 1-based): chr1:39,850,226, T>C on the plus strand (A>G on the coding strand, the complement: TRIT1 is on the minus strand). VCF-style: chr1-39850226-T-C. GRCh37 (hg19) VCF-style: chr1-40315898-T-C.
Other names: c.596A>G, p.His199Arg (NM_001312691.2); c.356A>G, p.His119Arg (NM_001312692.2); short protein forms H119R, H199R.
Identifiers: ClinVar variation 2444589 (VCV002444589.2), dbSNP rs760045849, ClinGen allele CA788054.

ClinVar aggregate classification (germline): Uncertain significance. Review status: criteria provided, multiple submitters, no conflicts (2 of 4 stars). 2 submissions from 2 submitters: Uncertain significance (2). Last evaluated 2025-09-05.

Conditions:
Inborn genetic diseases. Identifiers: MedGen C0950123, MeSH D030342.

Allele frequency attached by ClinVar (database versions not stated): ExAC 0.00001; gnomAD 0.00001; TOPMed 0.00001.
gnomAD v4.1: 11 of 1,614,074 alleles (0.00068%); highest among the groups gnomAD compares: Non-Finnish European, 0.00093%; no homozygotes.

Submissions (2):

Ambry Genetics
Classification: Uncertain significance for Inborn genetic diseases. Last evaluated: 2025-09-05. Review status: criteria provided, single submitter. Criteria: Ambry Variant Classification Scheme 2023. Collection method: clinical testing. Allele origin: germline.

GeneDx
Classification: Uncertain significance. Last evaluated: 2022-09-20. Review status: criteria provided, single submitter. Criteria: GeneDx Variant Classification Process June 2021. Collection method: clinical testing. Allele origin: germline. Affected: yes.
Comment: Not observed at significant frequency in large population cohorts (gnomAD); In silico analysis supports that this missense variant has a deleterious effect on protein structure/function; Has not been previously published as pathogenic or benign to our knowledge